The following is an entry in ClinVar:

NM_001035.3(RYR2):c.5917-12T>C

Gene: RYR2 (ryanodine receptor 2; plus strand). Cytogenetic location: 1q43.
Variant type: single nucleotide variant.
Coding change: c.5917-12T>C on transcript NM_001035.3 (MANE Select); 12 bases into the intron before coding-DNA position 5917, T replaced by C.
Molecular consequence: intron variant.
Genome position (GRCh38, 1-based): chr1:237,623,753, T>C. VCF-style: chr1-237623753-T-C. GRCh37 (hg19) VCF-style: chr1-237787053-T-C.
Other names: c.5917-12T>C (LRG_402t1).
Identifiers: ClinVar variation 387853 (VCV000387853.10), dbSNP rs746414195, ClinGen allele CA16603565.
Genomic context (GRCh38, chr1:237,623,753, plus strand): 5'-TGCTGTGCCATTCTTGAATTCACCTTTCTTTTCTTCCTCCTTCTTCCTCTTTCTTGTTTT[T>C]CAAACTTTCAGATCAATATGCTTCTCAATTTTAAGGATGACAAAAGTGAATGTCCATGTC-3'

ClinVar aggregate classification (germline): Likely benign. Review status: criteria provided, multiple submitters, no conflicts (2 of 4 stars). 4 submissions from 4 submitters: Likely benign (4). Last evaluated 2024-07-22.

Conditions:
Catecholaminergic polymorphic ventricular tachycardia (CVPT). Also called: Catecholamine-induced polymorphic ventricular tachycardia. Identifiers: Orphanet 3286, MedGen C5574922, MONDO:0017990.
Catecholaminergic polymorphic ventricular tachycardia 1. Also called: RYR2-Related Catecholaminergic Polymorphic Ventricular Tachycardia; VENTRICULAR TACHYCARDIA, CATECHOLAMINERGIC POLYMORPHIC, 1, WITH OR WITHOUT ATRIAL DYSFUNCTION AND/OR DILATED CARDIOMYOPATHY; VENTRICULAR TACHYCARDIA, STRESS-INDUCED POLYMORPHIC 1. Identifiers: Orphanet 3286, MedGen C1631597, MONDO:0011484, OMIM 604772.
Cardiomyopathy (CMYO). Also called: Cardiomyopathies. Identifiers: Orphanet 167848, MedGen C0878544, MONDO:0004994, HP:0001638. Inheritance: Various modes of inheritance.

Allele frequency attached by ClinVar (database versions not stated): TOPMed 0.00002.
gnomAD v4.1: 6 of 1,559,226 alleles (0.00038%); highest among the groups gnomAD compares: African/African-American, 0.0054%; no homozygotes.

Submissions (4):

Labcorp Genetics (formerly Invitae), Labcorp
Classification: Likely benign for Catecholaminergic polymorphic ventricular tachycardia 1. Last evaluated: 2024-07-22. Review status: criteria provided, single submitter. Criteria: Invitae Variant Classification Sherloc (09022015). Collection method: clinical testing. Allele origin: germline.

All of Us Research Program, National Institutes of Health
Classification: Likely benign for Catecholaminergic polymorphic ventricular tachycardia. Last evaluated: 2023-12-18. Review status: criteria provided, single submitter. Criteria: ACMG Guidelines, 2015. Collection method: clinical testing. Allele origin: germline. Inheritance: Autosomal dominant inheritance. Observed: 1 variant allele, 1 heterozygote.
Comment: This study involves interpretation of variants in research participants for the purpose of population health screening. Participant phenotype was not available at the time of variant classification. Additional details can be found in publication PMID: 35346344, PMCID: PMC8962531

Color Diagnostics, LLC DBA Color Health
Classification: Likely benign for Cardiomyopathy. Last evaluated: 2022-03-17. Review status: criteria provided, single submitter. Criteria: ACMG Guidelines, 2015. Collection method: clinical testing. Allele origin: germline.

GeneDx
Classification: Likely benign. Last evaluated: 2016-10-13. Review status: criteria provided, single submitter. Criteria: GeneDx Variant Classification (06012015). Collection method: clinical testing. Allele origin: germline. Affected: yes.
Comment: This variant is considered likely benign or benign based on one or more of the following criteria: it is a conservative change, it occurs at a poorly conserved position in the protein, it is predicted to be benign by multiple in silico algorithms, and/or has population frequency not consistent with disease.